The following is an entry in ClinVar:

ClinVar aggregate classification (germline): Uncertain significance (1 of 4 stars; one submission).

Conditions:
Long QT syndrome (LQTS). Identifiers: MedGen C0023976, MeSH D008133, MONDO:0002442. Disease mechanism: loss of function. Inheritance: Various modes of inheritance.

Submission:

Labcorp Genetics (formerly Invitae), Labcorp
Classification: Uncertain significance for Long QT syndrome. Last evaluated: 2025-11-12. Review status: criteria provided, single submitter. Criteria: Invitae Variant Classification Sherloc (09022015). Collection method: clinical testing. Allele origin: germline.
Comment: This sequence change replaces lysine, which is basic and polar, with threonine, which is neutral and polar, at codon 1276 of the CACNA1C protein (p.Lys1276Thr). This variant is not present in population databases (gnomAD no frequency). This variant has not been reported in the literature in individuals affected with CACNA1C-related conditions. An algorithm developed to predict the effect of missense changes on protein structure and function (PolyPhen-2) suggests that this variant is likely to be disruptive. In summary, the available evidence is currently insufficient to determine the role of this variant in disease. Therefore, it has been classified as a Variant of Uncertain Significance.

NM_000719.7(CACNA1C):c.3827A>C (p.Lys1276Thr)

Gene: CACNA1C (calcium voltage-gated channel subunit alpha1 C; plus strand). Cytogenetic location: 12p13.33.
Variant type: single nucleotide variant.
Coding change: c.3827A>C on transcript NM_000719.7 (MANE Select); coding-DNA position 3827, A replaced by C.
Protein change: p.Lys1276Thr; replaces lysine 1276 with threonine.
Molecular consequence: missense variant.
Genome position (GRCh38, 1-based): chr12:2,612,012, A>C. VCF-style: chr12-2612012-A-C. GRCh37 (hg19) VCF-style: chr12-2721178-A-C.
Other names: c.3887A>C, p.Lys1296Thr (NM_001129827.2, NM_001129832.2, NM_199460.4); c.3827A>C, p.Lys1276Thr (NM_001129829.2, NM_001129830.3, NM_001129831.2 and 15 more transcripts); c.3818A>C, p.Lys1273Thr (NM_001129844.2); short protein forms K1276T, K1296T, K1273T.
Identifiers: ClinVar variation 4731103 (VCV004731103.1).